The following is an entry in ClinVar:

NM_006767.4(LZTR1):c.811G>A (p.Glu271Lys)

Gene: LZTR1 (leucine zipper like post translational regulator 1; plus strand). Cytogenetic location: 22q11.21.
Variant type: single nucleotide variant.
Coding change: c.811G>A on transcript NM_006767.4 (MANE Select); coding-DNA position 811, G replaced by A.
Protein change: p.Glu271Lys; replaces glutamic acid 271 with lysine.
Molecular consequence: missense variant.
Genome position (GRCh38, 1-based): chr22:20,991,647, G>A. VCF-style: chr22-20991647-G-A. GRCh37 (hg19) VCF-style: chr22-21345936-G-A.
Other names: short protein forms E271K.
Identifiers: ClinVar variation 3541503 (VCV003541503.1).

ClinVar aggregate classification (germline): Uncertain significance (1 of 4 stars; one submission).

Conditions:
Hereditary cancer-predisposing syndrome. Also called: Hereditary Cancer Syndrome; Hereditary neoplastic syndrome; Tumor predisposition; Neoplastic Syndromes, Hereditary. Identifiers: Orphanet 140162, MedGen C0027672, MeSH D009386, MONDO:0015356.
Cardiovascular phenotype. Identifiers: MedGen CN230736.

Submission:

Ambry Genetics
Classification: Uncertain significance for Cardiovascular phenotype; Hereditary cancer-predisposing syndrome. Last evaluated: 2024-10-15. Review status: criteria provided, single submitter. Criteria: Ambry Variant Classification Scheme 2023. Collection method: clinical testing. Allele origin: germline.
Comment: The p.E271K variant (also known as c.811G>A), located in coding exon 9 of the LZTR1 gene, results from a G to A substitution at nucleotide position 811. The glutamic acid at codon 271 is replaced by lysine, an amino acid with similar properties. This amino acid position is conserved. In addition, the in silico prediction for this alteration is inconclusive. Based on the available evidence, the clinical significance of this variant remains unclear.